The following is an entry in ClinVar:

NM_000545.8(HNF1A):c.539C>T (p.Ala180Val)

Gene: HNF1A (HNF1 homeobox A; plus strand). Cytogenetic location: 12q24.31.
Variant type: single nucleotide variant.
Coding change: c.539C>T on transcript NM_000545.8 (MANE Select); coding-DNA position 539, C replaced by T.
Protein change: p.Ala180Val; replaces alanine 180 with valine.
Molecular consequence: missense variant.
Genome position (GRCh38, 1-based): chr12:120,993,532, C>T. VCF-style: chr12-120993532-C-T. GRCh37 (hg19) VCF-style: chr12-121431335-C-T.
Other names: NM_000545.8(HNF1A):c.539C>T; c.539C>T, p.Ala180Val (NM_001306179.2); short protein forms A180V.
Identifiers: ClinVar variation 402949 (VCV000402949.5), dbSNP rs1060499866, ClinGen allele CA16609762.

ClinVar aggregate classification (germline): Likely benign. Review status: reviewed by expert panel (3 of 4 stars). 2 submissions from 2 submitters: Likely benign (1). 1 of the submissions does not count toward it. Last evaluated 2024-07-29.

Conditions:
Monogenic diabetes. Identifiers: Orphanet 183625, MedGen C3888631, MONDO:0015967.

Submissions (2):

ClinGen Monogenic Diabetes Variant Curation Expert Panel
Classification: Likely benign for Monogenic diabetes. Last evaluated: 2024-07-29. Review status: reviewed by expert panel. Criteria: ClinGen Diabetes ACMG Specifications HNF1A V2.1.0. Collection method: curation. Allele origin: germline. Inheritance: Autosomal dominant inheritance.
Comment: The c.539C>T variant in the HNF1 homeobox A gene, HNF1A, causes an amino acid change of alanine to valine at codon 180 (p.(Ala180Val)) of NM_000545.8. Functional studies demonstrated the p.Ala180Val protein has transactivation above 75% of wildtype, indicating that this variant does not impact protein function (PMID: 28934671) (BS3_Supporting). Additionally, this variant was identified in the homozygous state in a normoglycemic individual (PMID: 28934671) (BS2). This variant is absent from gnomAD v2.1.1 (PM2_Supporting). In summary, c.539C>T meets the criteria to be classified as likely benign for monogenic diabetes, though it likely influences diabetes risk. ACMG/AMP criteria applied, as specified by the ClinGen MDEP (specification version 2.1.0, approved 8/11/2023): BS3_Supporting, BS2, PM2_Supporting.

Laboratory for Molecular Medicine, Mass General Brigham Personalized Medicine
Classification: Uncertain significance. Last evaluated: 2016-12-16. Review status: criteria provided, single submitter. Criteria: LMM Criteria. Collection method: clinical testing. Allele origin: germline. Not counted in ClinVar's aggregate classification.
Comment: Variant identified in a genome or exome case(s) and assessed due to predicted null impact of the variant or pathogenic assertions in the literature or databases. Disclaimer: This variant has not undergone full assessment. It is not present in ExAC, gnomAD, or ClinVar. It is predicted to be tolerated by prediction tools.